The following is an entry in ClinVar:

ClinVar aggregate classification (germline): Uncertain significance. Review status: criteria provided, multiple submitters, no conflicts (2 of 4 stars). 5 submissions from 5 submitters: Uncertain significance (5). Last evaluated 2025-11-12.

Conditions:
Hereditary cancer-predisposing syndrome. Also called: Tumor predisposition; Neoplastic Syndromes, Hereditary; Hereditary Cancer Syndrome; Hereditary neoplastic syndrome. Identifiers: Orphanet 140162, MedGen C0027672, MeSH D009386, MONDO:0015356.
Familial cancer of breast. Also called: BREAST CANCER, FAMILIAL; Hereditary breast cancer; hereditary breast carcinoma. Identifiers: Orphanet 227535, MedGen C0346153, MONDO:0016419, OMIM 114480. Disease mechanism: loss of function.
Ataxia-telangiectasia syndrome (AT). Also called: Cerebello-oculocutaneous telangiectasia; Immunodeficiency with ataxia telangiectasia; ATAXIA-TELANGIECTASIA, COMPLEMENTATION GROUP A; Ataxia-telangiectasia, complementation group D; AT, COMPLEMENTATION GROUP C; ATAXIA-TELANGIECTASIA, FRESNO VARIANT. Identifiers: Orphanet 100, MedGen C0004135, MONDO:0008840, OMIM 208900.

Allele frequency attached by ClinVar (database versions not stated): gnomAD exomes 0.00001.
gnomAD v4.1: 12 of 1,613,150 alleles (0.00074%); highest among the groups gnomAD compares: Middle Eastern, 0.017%; no homozygotes.

Submissions (5):

Color Diagnostics, LLC DBA Color Health
Classification: Uncertain significance for Hereditary cancer-predisposing syndrome. Last evaluated: 2025-11-12. Review status: criteria provided, single submitter. Criteria: ACMG Guidelines, 2015. Collection method: clinical testing. Allele origin: germline.
Comment: This missense variant replaces cysteine with tyrosine at codon 755 of the ATM protein. Computational prediction suggests that this variant may not impact protein structure and function. To our knowledge, functional studies have not been reported for this variant. This variant has been reported in an individual affected with breast cancer (PMID: 39541563). This variant has not been identified in the general population by the Genome Aggregation Database (gnomAD). The available evidence is insufficient to determine the role of this variant in disease conclusively. Therefore, this variant is classified as a Variant of Uncertain Significance.

Ambry Genetics
Classification: Uncertain significance for Hereditary cancer-predisposing syndrome. Last evaluated: 2025-05-09. Review status: criteria provided, single submitter. Criteria: Ambry Variant Classification Scheme 2023. Collection method: clinical testing. Allele origin: germline.
Comment: The p.C755Y variant (also known as c.2264G>A), located in coding exon 14 of the ATM gene, results from a G to A substitution at nucleotide position 2264. The cysteine at codon 755 is replaced by tyrosine, an amino acid with highly dissimilar properties. This amino acid position is well conserved in available vertebrate species; however, tyrosine is the reference amino acid in other vertebrate species. In addition, this alteration is predicted to be tolerated by in silico analysis. Based on the available evidence, the clinical significance of this variant remains unclear.

Labcorp Genetics (formerly Invitae), Labcorp
Classification: Uncertain significance for Ataxia-telangiectasia syndrome. Last evaluated: 2025-01-21. Review status: criteria provided, single submitter. Criteria: Invitae Variant Classification Sherloc (09022015). Collection method: clinical testing. Allele origin: germline.
Comment: This sequence change replaces cysteine, which is neutral and slightly polar, with tyrosine, which is neutral and polar, at codon 755 of the ATM protein (p.Cys755Tyr). This variant is not present in population databases (gnomAD no frequency). This variant has not been reported in the literature in individuals affected with ATM-related conditions. ClinVar contains an entry for this variant (Variation ID: 479068). Invitae Evidence Modeling of protein sequence and biophysical properties (such as structural, functional, and spatial information, amino acid conservation, physicochemical variation, residue mobility, and thermodynamic stability) indicates that this missense variant is not expected to disrupt ATM protein function with a negative predictive value of 95%. In summary, the available evidence is currently insufficient to determine the role of this variant in disease. Therefore, it has been classified as a Variant of Uncertain Significance.

Baylor Genetics
Classification: Uncertain significance for Familial cancer of breast. Last evaluated: 2023-05-25. Review status: criteria provided, single submitter. Criteria: ACMG Guidelines, 2015. Collection method: clinical testing. Allele origin: unknown.

Sema4
Classification: Uncertain significance for Hereditary cancer-predisposing syndrome. Last evaluated: 2021-11-10. Review status: criteria provided, single submitter. Criteria: Sema4 Curation Guidelines. Collection method: curation. Allele origin: germline.
Comment: The ATM c.2264G>A (p.C755Y) variant has not been reported in the literature to our knowledge. It was not observed in the large and broad cohorts of the Genome Aggregation Database. The variant has been reported in ClinVar (Variation ID: 479068). Functional studies have not been performed, and in silico predictions of the variant's effect on protein function are inconclusive. The evidence is insufficient to meet ACMG/AMP criteria for classifying the variant as benign or pathogenic. Thus, the clinical significance of this variant is currently uncertain.

Literature cited by the submitters: PubMed 39541563 (cited by Color Diagnostics, LLC DBA Color Health and Ambry Genetics).

NM_000051.4(ATM):c.2264G>A (p.Cys755Tyr)

Gene: ATM (ATM serine/threonine kinase; plus strand). Cytogenetic location: 11q22.3.
Variant type: single nucleotide variant.
Coding change: c.2264G>A on transcript NM_000051.4 (MANE Select); coding-DNA position 2264, G replaced by A.
Protein change: p.Cys755Tyr; replaces cysteine 755 with tyrosine.
Molecular consequence: missense variant.
Genome position (GRCh38, 1-based): chr11:108,257,494, G>A. VCF-style: chr11-108257494-G-A. GRCh37 (hg19) VCF-style: chr11-108128221-G-A.
Other names: c.2264G>A, p.Cys755Tyr (NM_001351834.2); short protein forms C755Y.
Identifiers: ClinVar variation 479068 (VCV000479068.21), dbSNP rs876660916, ClinGen allele CA382539586.
Genomic context (GRCh38, chr11:108,257,494, plus strand): 5'-ACTATAATTTTAACTGGAATTTGCATTTTTCCTTCTATTCACAATAGTCTCTAATGCAAT[G>A]TGCAGGAGAAAGTATCACTCTGTTTAAAAATAAGACAAATGAGGAATTCAGAATTGGTTC-3'
Protein context (NP_000042.3, residues 745-765): LFQKAKSLMQ[Cys755Tyr]AGESITLFKN